The following is an entry in ClinVar:

ClinVar aggregate classification (germline): Uncertain significance (1 of 4 stars; one submission).

gnomAD v4.1: 1 of 1,613,462 alleles (0.000062%); highest among the groups gnomAD compares: Non-Finnish European, 0.000085%; no homozygotes.

Submission:

Labcorp Genetics (formerly Invitae), Labcorp
Classification: Uncertain significance. Last evaluated: 2025-09-13. Review status: criteria provided, single submitter. Criteria: Invitae Variant Classification Sherloc (09022015). Collection method: clinical testing. Allele origin: germline.
Comment: This sequence change replaces methionine, which is neutral and non-polar, with isoleucine, which is neutral and non-polar, at codon 626 of the ATRN protein (p.Met626Ile). This variant is not present in population databases (gnomAD no frequency). This variant has not been reported in the literature in individuals affected with ATRN-related conditions. An algorithm developed to predict the effect of missense changes on protein structure and function (PolyPhen-2) suggests that this variant is likely to be tolerated. In summary, the available evidence is currently insufficient to determine the role of this variant in disease. Therefore, it has been classified as a Variant of Uncertain Significance.

NM_139321.3(ATRN):c.1878G>A (p.Met626Ile)

Gene: ATRN (attractin; plus strand). Cytogenetic location: 20p13.
Variant type: single nucleotide variant.
Coding change: c.1878G>A on transcript NM_139321.3 (MANE Select); coding-DNA position 1878, G replaced by A.
Protein change: p.Met626Ile; replaces methionine 626 with isoleucine.
Molecular consequence: missense variant.
Genome position (GRCh38, 1-based): chr20:3,572,737, G>A. VCF-style: chr20-3572737-G-A. GRCh37 (hg19) VCF-style: chr20-3553384-G-A.
Other names: c.1530G>A, p.Met510Ile (NM_001207047.3); c.1878G>A, p.Met626Ile (NM_001323332.2, NM_139322.4); short protein forms M510I, M626I.
Identifiers: ClinVar variation 4769070 (VCV004769070.1).